The following is an entry in ClinVar:

NM_005262.3(GFER):c.14G>C (p.Gly5Ala)

Genes: GFER (growth factor, augmenter of liver regeneration; plus strand), LOC130058203 (ATAC-STARR-seq lymphoblastoid silent region 7014; plus strand). Cytogenetic location: 16p13.3.
Variant type: single nucleotide variant.
Coding change: c.14G>C on transcript NM_005262.3 (MANE Select); coding-DNA position 14, G replaced by C.
Protein change: p.Gly5Ala; replaces glycine 5 with alanine.
Molecular consequence: missense variant.
Genome position (GRCh38, 1-based): chr16:1,984,232, G>C. VCF-style: chr16-1984232-G-C. GRCh37 (hg19) VCF-style: chr16-2034233-G-C.
Other names: p.G5A:GGC>GCC; short protein forms G5A.
Identifiers: ClinVar variation 214468 (VCV000214468.4), dbSNP rs863224025, ClinGen allele CA324151.

ClinVar aggregate classification (germline): Uncertain significance. Review status: criteria provided, multiple submitters, no conflicts (2 of 4 stars). 2 submissions from 2 submitters: Uncertain significance (2). Last evaluated 2025-09-19.

Allele frequency attached by ClinVar (database versions not stated): gnomAD 0.00001; TOPMed 0.00001.

Submissions (2):

GeneDx
Classification: Uncertain significance. Last evaluated: 2025-09-19. Review status: criteria provided, single submitter. Criteria: GeneDx Variant Classification Process June 2021. Collection method: clinical testing. Allele origin: germline. Affected: yes.
Comment: Has not been previously published as pathogenic or benign to our knowledge; Not observed at significant frequency in large population cohorts (gnomAD); In silico analysis suggests that this missense variant does not alter protein structure/function

Labcorp Genetics (formerly Invitae), Labcorp
Classification: Uncertain significance. Last evaluated: 2022-02-25. Review status: criteria provided, single submitter. Criteria: Invitae Variant Classification Sherloc (09022015). Collection method: clinical testing. Allele origin: germline.
Comment: This sequence change replaces glycine, which is neutral and non-polar, with alanine, which is neutral and non-polar, at codon 5 of the GFER protein (p.Gly5Ala). This variant is not present in population databases (gnomAD no frequency). This variant has not been reported in the literature in individuals affected with GFER-related conditions. ClinVar contains an entry for this variant (Variation ID: 214468). Algorithms developed to predict the effect of missense changes on protein structure and function (SIFT, PolyPhen-2, Align-GVGD) all suggest that this variant is likely to be tolerated. In summary, the available evidence is currently insufficient to determine the role of this variant in disease. Therefore, it has been classified as a Variant of Uncertain Significance.